The following is an entry in ClinVar:

NM_001367873.1(SOX6):c.1995G>A (p.Gln665=)

Gene: SOX6 (SRY-box transcription factor 6; minus strand). Cytogenetic location: 11p15.2.
Variant type: single nucleotide variant.
Coding change: c.1995G>A on transcript NM_001367873.1 (MANE Select); coding-DNA position 1995, G replaced by A.
Protein change: p.Gln665=; no amino-acid change (glutamine 665 retained).
Molecular consequence: synonymous variant.
Genome position (GRCh38, 1-based): chr11:15,986,392, C>T on the plus strand (G>A on the coding strand, the complement: SOX6 is on the minus strand). VCF-style: chr11-15986392-C-T. GRCh37 (hg19) VCF-style: chr11-16007938-C-T.
Other names: c.1914G>A, p.Gln638= (NM_001145811.2, NM_017508.3); c.1995G>A, p.Gln665= (NM_001145819.2); c.1872G>A, p.Gln624= (NM_001367872.1); c.1935G>A, p.Gln645= (NM_033326.3).
Identifiers: ClinVar variation 2641630 (VCV002641630.27), dbSNP rs34438327, ClinGen allele CA5897989.

ClinVar aggregate classification (germline): Benign/Likely benign. Review status: criteria provided, multiple submitters, no conflicts (2 of 4 stars). 2 submissions from 2 submitters: Benign (1); Likely benign (1). Last evaluated 2025-01-29.

Allele frequency attached by ClinVar (database versions not stated): gnomAD exomes 0.00015; ExAC 0.00048; ESP Exome Variant Server 0.00169; gnomAD 0.00178; 1000 Genomes Project 0.00200; TOPMed 0.00202; 1000 Genomes Project 30x 0.00265.
gnomAD v4.1: 499 of 1,614,004 alleles (0.031%); highest among the groups gnomAD compares: African/African-American, 0.61%; 3 homozygotes.

Submissions (2):

Labcorp Genetics (formerly Invitae), Labcorp
Classification: Benign. Last evaluated: 2025-01-29. Review status: criteria provided, single submitter. Criteria: Invitae Variant Classification Sherloc (09022015). Collection method: clinical testing. Allele origin: germline.

CeGaT Center for Human Genetics Tuebingen
Classification: Likely benign. Last evaluated: 2023-01-01. Review status: criteria provided, single submitter. Criteria: CeGaT Center For Human Genetics Tuebingen Variant Classification Criteria Version 2. Collection method: clinical testing. Allele origin: germline. Affected: yes. Observed: 1 variant allele.
Comment: SOX6: BP4, BP7